The following is an entry in ClinVar:

NM_207361.6(FREM2):c.7918G>A (p.Val2640Ile)

Gene: FREM2 (FRAS1 related extracellular matrix 2; plus strand). Cytogenetic location: 13q13.3.
Variant type: single nucleotide variant.
Coding change: c.7918G>A on transcript NM_207361.6 (MANE Select); coding-DNA position 7918, G replaced by A.
Protein change: p.Val2640Ile; replaces valine 2640 with isoleucine.
Molecular consequence: missense variant.
Genome position (GRCh38, 1-based): chr13:38,864,541, G>A. VCF-style: chr13-38864541-G-A. GRCh37 (hg19) VCF-style: chr13-39438678-G-A.
Other names: short protein forms V2640I.
Identifiers: ClinVar variation 4693255 (VCV004693255.1).

ClinVar aggregate classification (germline): Uncertain significance (1 of 4 stars; one submission).

gnomAD v4.1: 17 of 1,614,222 alleles (0.0011%); highest among the groups gnomAD compares: Middle Eastern, 0.082%; no homozygotes.

Submission:

Labcorp Genetics (formerly Invitae), Labcorp
Classification: Uncertain significance. Last evaluated: 2026-01-07. Review status: criteria provided, single submitter. Criteria: Invitae Variant Classification Sherloc (09022015). Collection method: clinical testing. Allele origin: germline.
Comment: This sequence change replaces valine, which is neutral and non-polar, with isoleucine, which is neutral and non-polar, at codon 2640 of the FREM2 protein (p.Val2640Ile). This variant is present in population databases (rs781035336, gnomAD 0.004%). This variant has not been reported in the literature in individuals affected with FREM2-related conditions. Invitae Evidence Modeling of protein sequence and biophysical properties (such as structural, functional, and spatial information, amino acid conservation, physicochemical variation, residue mobility, and thermodynamic stability) indicates that this missense variant is expected to disrupt FREM2 protein function with a positive predictive value of 80%. In summary, the available evidence is currently insufficient to determine the role of this variant in disease. Therefore, it has been classified as a Variant of Uncertain Significance.